The following is an entry in ClinVar:

NC_000012.11:g.(?_121438848)_(121438995_?)del

Gene: HNF1A (HNF1 homeobox A; plus strand). Cytogenetic location: 12q24.31.
Variant type: Deletion.
Identifiers: ClinVar variation 3244356 (VCV003244356.1).

ClinVar aggregate classification (germline): Pathogenic (1 of 4 stars; one submission).

Submission:

Labcorp Genetics (formerly Invitae), Labcorp
Classification: Pathogenic. Last evaluated: 2023-10-05. Review status: criteria provided, single submitter. Criteria: Invitae Variant Classification Sherloc (09022015). Collection method: clinical testing. Allele origin: unknown.
Comment: This variant is a gross deletion of the genomic region encompassing exon(s) 10 of the HNF1A gene, which includes the termination codon. This deletion extends beyond the assayed region for this gene and therefore may encompass additional genes. While this deletion is not anticipated to lead to nonsense mediated decay, it is expected to alter mRNA translation or result in a truncated protein product. This variant has not been reported in the literature in individuals affected with HNF1A-related conditions. This variant disrupts a region of the HNF1A protein in which other variant(s) (p.Glu619Lys) have been determined to be pathogenic (PMID: 9626139; Invitae). This suggests that this is a clinically significant region of the protein, and that variants that disrupt it are likely to be disease-causing. For these reasons, this variant has been classified as Pathogenic.

Literature cited by the submitters: PubMed 9626139.